The following is an entry in ClinVar:

NM_002880.4(RAF1):c.676G>A (p.Val226Ile)

Gene: RAF1 (Raf-1 proto-oncogene, serine/threonine kinase; minus strand). Cytogenetic location: 3p25.2.
Variant type: single nucleotide variant.
Coding change: c.676G>A on transcript NM_002880.4 (MANE Select); coding-DNA position 676, G replaced by A.
Protein change: p.Val226Ile; replaces valine 226 with isoleucine.
Molecular consequence: missense variant. On other transcripts: non-coding transcript variant (3), intron variant (2).
Genome position (GRCh38, 1-based): chr3:12,606,205, C>T on the plus strand (G>A on the coding strand, the complement: RAF1 is on the minus strand). VCF-style: chr3-12606205-C-T. GRCh37 (hg19) VCF-style: chr3-12647704-C-T.
Other names: c.676G>A, p.Val226Ile (NM_001354689.3, NM_001354690.3); c.433G>A, p.Val145Ile (NM_001354691.3, NM_001354692.3, NM_001354694.3); c.339-1916G>A (NM_001354695.3); c.582-1916G>A (NM_001354693.3); short protein forms V145I, V226I.
Identifiers: ClinVar variation 947121 (VCV000947121.12), dbSNP rs746448519, ClinGen allele CA2259712.

ClinVar aggregate classification (germline): Conflicting classifications of pathogenicity. Review status: criteria provided, conflicting classifications (1 of 4 stars). 3 submissions from 3 submitters: Uncertain significance (2); Likely benign (1). Last evaluated 2025-10-22.

Conditions:
RAF1-related disorder. Also called: RAF1-related condition; RAF1-related disorders.
Cardiovascular phenotype. Identifiers: MedGen CN230736.
RASopathy. Also called: Noonan spectrum disorder; rasopathies. Identifiers: Orphanet 536391, MedGen C5555857, MONDO:0021060.

Allele frequency attached by ClinVar (database versions not stated): gnomAD 0.00001; gnomAD exomes 0.00001; TOPMed 0.00001; ExAC 0.00002.
gnomAD v4.1: 11 of 1,612,564 alleles (0.00068%); highest among the groups gnomAD compares: South Asian, 0.0033%; no homozygotes.

Submissions (3):

PreventionGenetics, part of Exact Sciences
Classification: Uncertain significance for RAF1-related condition. Last evaluated: 2025-10-22. Review status: criteria provided, single submitter. Criteria: ACMG Guidelines, 2015. Collection method: clinical testing. Allele origin: germline.
Comment: The RAF1 c.676G>A variant is predicted to result in the amino acid substitution p.Val226Ile. To our knowledge, this variant has not been reported in the literature. This variant is reported in 0.0033% of alleles in individuals of South Asian descent in gnomAD. At this time, the clinical significance of this variant is uncertain due to the absence of conclusive functional and genetic evidence.

Labcorp Genetics (formerly Invitae), Labcorp
Classification: Uncertain significance for RASopathy. Last evaluated: 2024-11-23. Review status: criteria provided, single submitter. Criteria: Invitae Variant Classification Sherloc (09022015). Collection method: clinical testing. Allele origin: germline.
Comment: This sequence change replaces valine, which is neutral and non-polar, with isoleucine, which is neutral and non-polar, at codon 226 of the RAF1 protein (p.Val226Ile). This variant is present in population databases (rs746448519, gnomAD 0.003%). This variant has not been reported in the literature in individuals affected with RAF1-related conditions. ClinVar contains an entry for this variant (Variation ID: 947121). Invitae Evidence Modeling of protein sequence and biophysical properties (such as structural, functional, and spatial information, amino acid conservation, physicochemical variation, residue mobility, and thermodynamic stability) indicates that this missense variant is not expected to disrupt RAF1 protein function with a negative predictive value of 95%. In summary, the available evidence is currently insufficient to determine the role of this variant in disease. Therefore, it has been classified as a Variant of Uncertain Significance.

Ambry Genetics
Classification: Likely benign for Cardiovascular phenotype. Last evaluated: 2023-10-24. Review status: criteria provided, single submitter. Criteria: Ambry Variant Classification Scheme 2023. Collection method: clinical testing. Allele origin: germline.